The following is an entry in ClinVar:

NM_000883.4(IMPDH1):c.460C>G (p.Pro154Ala)

Gene: IMPDH1 (inosine monophosphate dehydrogenase 1; minus strand). Cytogenetic location: 7q32.1.
Variant type: single nucleotide variant.
Coding change: c.460C>G on transcript NM_000883.4 (MANE Select); coding-DNA position 460, C replaced by G.
Protein change: p.Pro154Ala; replaces proline 154 with alanine.
Molecular consequence: missense variant.
Genome position (GRCh38, 1-based): chr7:128,401,059, G>C on the plus strand (C>G on the coding strand, the complement: IMPDH1 is on the minus strand). VCF-style: chr7-128401059-G-C. GRCh37 (hg19) VCF-style: chr7-128041113-G-C.
Other names: c.430C>G, p.Pro144Ala (NM_001102605.2); c.205C>G, p.Pro69Ala (NM_001142573.2, NM_001142574.2, NM_001142575.2); c.361C>G, p.Pro121Ala (NM_001142576.2); c.253C>G, p.Pro85Ala (NM_001304521.2); c.352C>G, p.Pro118Ala (NM_183243.3); short protein forms P118A, P121A, P144A, P154A, P69A, P85A.
Identifiers: ClinVar variation 1054445 (VCV001054445.9), dbSNP rs2116669210, ClinGen allele CA369174470.

ClinVar aggregate classification (germline): Uncertain significance (1 of 4 stars; one submission).

gnomAD v4.1: 1 of 1,614,172 alleles (0.000062%); no homozygotes.

Submission:

Labcorp Genetics (formerly Invitae), Labcorp
Classification: Uncertain significance. Last evaluated: 2024-10-15. Review status: criteria provided, single submitter. Criteria: Invitae Variant Classification Sherloc (09022015). Collection method: clinical testing. Allele origin: germline.
Comment: This sequence change replaces proline, which is neutral and non-polar, with alanine, which is neutral and non-polar, at codon 154 of the IMPDH1 protein (p.Pro154Ala). This variant is not present in population databases (gnomAD no frequency). This variant has not been reported in the literature in individuals affected with IMPDH1-related conditions. ClinVar contains an entry for this variant (Variation ID: 1054445). An algorithm developed to predict the effect of missense changes on protein structure and function (PolyPhen-2) suggests that this variant is likely to be disruptive. In summary, the available evidence is currently insufficient to determine the role of this variant in disease. Therefore, it has been classified as a Variant of Uncertain Significance.